The following is an entry in ClinVar:

ClinVar aggregate classification (germline): Likely benign (0 of 4 stars; one submission).

Conditions:
ASH1L-related disorder. Also called: ASH1L-related condition.

Submission:

PreventionGenetics, part of Exact Sciences
Classification: Likely benign for ASH1L-related condition. Last evaluated: 2023-11-03. Review status: no assertion criteria provided. Collection method: clinical testing. Allele origin: germline.
Comment: This variant is classified as likely benign based on ACMG/AMP sequence variant interpretation guidelines (Richards et al. 2015 PMID: 25741868, with internal and published modifications).

NM_018489.3(ASH1L):c.7804-6C>A

Gene: ASH1L (ASH1 like histone lysine methyltransferase; minus strand). Cytogenetic location: 1q22.
Variant type: single nucleotide variant.
Coding change: c.7804-6C>A on transcript NM_018489.3 (MANE Select); 6 bases into the intron before coding-DNA position 7804, C replaced by A.
Molecular consequence: intron variant.
Genome position (GRCh38, 1-based): chr1:155,346,475, G>T on the plus strand (C>A on the coding strand, the complement: ASH1L is on the minus strand). VCF-style: chr1-155346475-G-T. GRCh37 (hg19) VCF-style: chr1-155316266-G-T.
Other names: c.7819-6C>A (NM_001366177.2).
Identifiers: ClinVar variation 3047655 (VCV003047655.2), dbSNP rs2525680432, ClinGen allele CA2740090389.
Genomic context (GRCh38, chr1:155,346,475, plus strand): 5'-AAAGGTAGTGCTCCACATCTGAGTTCACTCCCATACAATCACAGTGCTGCCATACCTGTA[G>T]AAAAACATACAGTTTGGGGAACATGGAGGCTATGACTTATTGAGAGTGTCCTGGGAGCCC-3'